The following is an entry in ClinVar:

NM_002887.4(RARS1):c.1874-10A>G

Gene: RARS1 (arginyl-tRNA synthetase 1; plus strand). Cytogenetic location: 5q34.
Variant type: single nucleotide variant.
Coding change: c.1874-10A>G on transcript NM_002887.4 (MANE Select); 10 bases into the intron before coding-DNA position 1874, A replaced by G.
Molecular consequence: intron variant.
Genome position (GRCh38, 1-based): chr5:168,519,071, A>G. VCF-style: chr5-168519071-A-G. GRCh37 (hg19) VCF-style: chr5-167946076-A-G.
Other names: p.?.
Identifiers: ClinVar variation 380057 (VCV000380057.11), dbSNP rs2305736, ClinGen allele CA3550059.

ClinVar aggregate classification (germline): Benign. Review status: criteria provided, multiple submitters, no conflicts (2 of 4 stars). 3 submissions from 3 submitters: Benign (3). Last evaluated 2026-02-03.

Allele frequency attached by ClinVar (database versions not stated): 1000 Genomes Project 0.14736; 1000 Genomes Project 30x 0.15037; ESP Exome Variant Server 0.15770; gnomAD 0.17281 and 0.17393; TOPMed 0.17457; ExAC 0.19803; gnomAD exomes 0.20181.
gnomAD v4.1: 309,130 of 1,594,868 alleles (19%); highest among the groups gnomAD compares: Admixed American, 34%; 32,286 homozygotes.

Submissions (3):

Labcorp Genetics (formerly Invitae), Labcorp
Classification: Benign. Last evaluated: 2026-02-03. Review status: criteria provided, single submitter. Criteria: Invitae Variant Classification Sherloc (09022015). Collection method: clinical testing. Allele origin: germline.

Mayo Clinic Laboratories, Mayo Clinic
Classification: Benign. Last evaluated: 2022-10-27. Review status: criteria provided, single submitter. Criteria: ACMG Guidelines, 2015. Collection method: clinical testing. Allele origin: germline. Observed: 343 variant alleles.

GeneDx
Classification: Benign. Last evaluated: 2015-12-02. Review status: criteria provided, single submitter. Criteria: GeneDx Variant Classification (06012015). Collection method: clinical testing. Allele origin: germline. Affected: yes.
Comment: This variant is considered likely benign or benign based on one or more of the following criteria: it is a conservative change, it occurs at a poorly conserved position in the protein, it is predicted to be benign by multiple in silico algorithms, and/or has population frequency not consistent with disease.